The following is an entry in ClinVar:

NM_004006.3(DMD):c.4071G>C (p.Glu1357Asp)

Gene: DMD (dystrophin; minus strand). Cytogenetic location: Xp21.1.
Variant type: single nucleotide variant.
Coding change: c.4071G>C on transcript NM_004006.3 (MANE Select); coding-DNA position 4071, G replaced by C.
Protein change: p.Glu1357Asp; replaces glutamic acid 1357 with aspartic acid.
Molecular consequence: missense variant.
Genome position (GRCh38, 1-based): chrX:32,438,241, C>G on the plus strand (G>C on the coding strand, the complement: DMD is on the minus strand). VCF-style: chrX-32438241-C-G. GRCh37 (hg19) VCF-style: chrX-32456358-C-G.
Other names: c.4047G>C, p.Glu1349Asp (NM_000109.4); c.4059G>C, p.Glu1353Asp (NM_004009.3); c.3702G>C, p.Glu1234Asp (NM_004010.3); short protein forms E1357D, E1349D, E1353D, E1234D.
Identifiers: ClinVar variation 2022794 (VCV002022794.4), dbSNP rs398123947, ClinGen allele CA267013.

ClinVar aggregate classification (germline): Uncertain significance (1 of 4 stars; one submission).

Conditions:
Duchenne muscular dystrophy (DMD). Also called: MUSCULAR DYSTROPHY, PSEUDOHYPERTROPHIC PROGRESSIVE, DUCHENNE TYPE; Duchenne Muscular Dystrophy (DMD). Identifiers: Orphanet 98896, MedGen C0013264, MONDO:0010679, OMIM 310200.

Submission:

Labcorp Genetics (formerly Invitae), Labcorp
Classification: Uncertain significance for Duchenne muscular dystrophy. Last evaluated: 2022-08-08. Review status: criteria provided, single submitter. Criteria: Invitae Variant Classification Sherloc (09022015). Collection method: clinical testing. Allele origin: germline.
Comment: Variants that disrupt the consensus splice site are a relatively common cause of aberrant splicing (PMID: 17576681, 9536098). Algorithms developed to predict the effect of sequence changes on RNA splicing suggest that this variant may disrupt the consensus splice site. In summary, the available evidence is currently insufficient to determine the role of this variant in disease. Therefore, it has been classified as a Variant of Uncertain Significance. Algorithms developed to predict the effect of missense changes on protein structure and function are either unavailable or do not agree on the potential impact of this missense change (SIFT: "Tolerated"; PolyPhen-2: "Possibly Damaging"; Align-GVGD: "Class C15"). This missense change has been observed in individual(s) with Duchenne muscular dystrophy (Invitae). This variant is not present in population databases (gnomAD no frequency). This sequence change replaces glutamic acid, which is acidic and polar, with aspartic acid, which is acidic and polar, at codon 1357 of the DMD protein (p.Glu1357Asp). This variant also falls at the last nucleotide of exon 29, which is part of the consensus splice site for this exon.

Literature cited by the submitters: PubMed 17576681; PubMed 9536098.